The following is an entry in ClinVar:

NM_001244008.2(KIF1A):c.202G>A (p.Ala68Thr)

Gene: KIF1A (kinesin family member 1A; minus strand). Cytogenetic location: 2q37.3.
Variant type: single nucleotide variant.
Coding change: c.202G>A on transcript NM_001244008.2 (MANE Select); coding-DNA position 202, G replaced by A.
Protein change: p.Ala68Thr; replaces alanine 68 with threonine.
Molecular consequence: missense variant.
Genome position (GRCh38, 1-based): chr2:240,788,212, C>T on the plus strand (G>A on the coding strand, the complement: KIF1A is on the minus strand). VCF-style: chr2-240788212-C-T. GRCh37 (hg19) VCF-style: chr2-241727629-C-T.
Other names: c.202G>A, p.Ala68Thr (NM_001320705.2, NM_001330289.2, NM_001330290.2 and 20 more transcripts); short protein forms A68T.
Identifiers: ClinVar variation 936148 (VCV000936148.12), dbSNP rs761950783, ClinGen allele CA2208853.

ClinVar aggregate classification (germline): Uncertain significance. Review status: criteria provided, multiple submitters, no conflicts (2 of 4 stars). 2 submissions from 2 submitters: Uncertain significance (2). Last evaluated 2025-03-19.

Conditions:
Neuropathy, hereditary sensory, type 2C. Also called: KIF1A-Related HSAN2 (HSAN2C); Hereditary sensory and autonomic neuropathy type IIC. Identifiers: Orphanet 970, MedGen C3280168, MONDO:0013634, OMIM 614213.
Intellectual disability, autosomal dominant 9 (NESCAVS). Also called: NESCAV SYNDROME; KIF1A-Related Neurodevelopmental Disorder. Identifiers: Orphanet 662367, MedGen C5393830, MONDO:0013656, OMIM 614255.
Hereditary spastic paraplegia 30. Identifiers: Orphanet 101010, MedGen C5235139, MONDO:0012476.
Inborn genetic diseases. Identifiers: MedGen C0950123, MeSH D030342.

Allele frequency attached by ClinVar (database versions not stated): TOPMed below 0.00001; gnomAD 0.00001; gnomAD exomes 0.00001 and 0.00003; ExAC 0.00003.
gnomAD v4.1: 20 of 1,613,698 alleles (0.0012%); highest among the groups gnomAD compares: South Asian, 0.0055%; no homozygotes.

Submissions (2):

Labcorp Genetics (formerly Invitae), Labcorp
Classification: Uncertain significance for Hereditary spastic paraplegia 30; Neuropathy, hereditary sensory, type 2C; Intellectual disability, autosomal dominant 9. Last evaluated: 2025-03-19. Review status: criteria provided, single submitter. Criteria: Invitae Variant Classification Sherloc (09022015). Collection method: clinical testing. Allele origin: germline.
Comment: This sequence change replaces alanine, which is neutral and non-polar, with threonine, which is neutral and polar, at codon 68 of the KIF1A protein (p.Ala68Thr). This variant is present in population databases (rs761950783, gnomAD 0.005%). This missense change has been observed in individual(s) with clinical features of KIF1A-related conditions (internal data). ClinVar contains an entry for this variant (Variation ID: 936148). Invitae Evidence Modeling of protein sequence and biophysical properties (such as structural, functional, and spatial information, amino acid conservation, physicochemical variation, residue mobility, and thermodynamic stability) indicates that this missense variant is expected to disrupt KIF1A protein function with a positive predictive value of 95%. In summary, the available evidence is currently insufficient to determine the role of this variant in disease. Therefore, it has been classified as a Variant of Uncertain Significance.

Ambry Genetics
Classification: Uncertain significance for Inborn genetic diseases. Last evaluated: 2020-12-02. Review status: criteria provided, single submitter. Criteria: Ambry Variant Classification Scheme 2023. Collection method: clinical testing. Allele origin: germline.
Comment: The p.A68T variant (also known as c.202G>A), located in coding exon 3 of the KIF1A gene, results from a G to A substitution at nucleotide position 202. The alanine at codon 68 is replaced by threonine, an amino acid with similar properties. This amino acid position is highly conserved in available vertebrate species. In addition, the in silico prediction for this alteration is inconclusive. Since supporting evidence is limited at this time, the clinical significance of this alteration remains unclear.